The following is an entry in ClinVar:

ClinVar aggregate classification (germline): Uncertain significance (1 of 4 stars; one submission).

Submission:

Labcorp Genetics (formerly Invitae), Labcorp
Classification: Uncertain significance. Last evaluated: 2022-02-09. Review status: criteria provided, single submitter. Criteria: Invitae Variant Classification Sherloc (09022015). Collection method: clinical testing. Allele origin: germline.
Comment: In summary, the available evidence is currently insufficient to determine the role of this variant in disease. Therefore, it has been classified as a Variant of Uncertain Significance. This variant has not been reported in the literature in individuals affected with WNT3A-related conditions. This variant results in a copy number gain of the genomic region encompassing exon(s) 1 of the WNT3A gene. This region includes the initiator codon of the gene. This copy number gain extends beyond the assayed region for this gene and therefore may encompass additional genes. As the precise location of this event is unknown, it may be in tandem or it may be located elsewhere in the genome.

NC_000001.10:g.(?_228194830)_(228194920_?)dup

Gene: WNT3A (Wnt family member 3A; plus strand). Cytogenetic location: 1q42.13.
Variant type: Duplication.
Identifiers: ClinVar variation 1450633 (VCV001450633.5).